The following is an entry in ClinVar:

ClinVar aggregate classification (germline): Likely benign (0 of 4 stars; one submission).

Conditions:
APOA5-related disorder. Also called: APOA5-related condition.

gnomAD v4.1: 2 of 1,608,024 alleles (0.00012%); highest among the groups gnomAD compares: Non-Finnish European, 0.00017%; no homozygotes.

Submission:

PreventionGenetics, part of Exact Sciences
Classification: Likely benign for APOA5-related condition. Last evaluated: 2019-09-17. Review status: no assertion criteria provided. Collection method: clinical testing. Allele origin: germline.
Comment: This variant is classified as likely benign based on ACMG/AMP sequence variant interpretation guidelines (Richards et al. 2015 PMID: 25741868, with internal and published modifications).

NM_001371904.1(APOA5):c.819C>T (p.Asp273=)

Gene: APOA5 (apolipoprotein A5; minus strand). Cytogenetic location: 11q23.3.
Variant type: single nucleotide variant.
Coding change: c.819C>T on transcript NM_001371904.1 (MANE Select); coding-DNA position 819, C replaced by T.
Protein change: p.Asp273=; no amino-acid change (aspartic acid 273 retained).
Molecular consequence: synonymous variant.
Genome position (GRCh38, 1-based): chr11:116,790,410, G>A on the plus strand (C>T on the coding strand, the complement: APOA5 is on the minus strand). VCF-style: chr11-116790410-G-A. GRCh37 (hg19) VCF-style: chr11-116661126-G-A.
Other names: c.819C>T, p.Asp273= (NM_001166598.2, NM_052968.5).
Identifiers: ClinVar variation 3040144 (VCV003040144.2), dbSNP rs989332330, ClinGen allele CA229337416.